The following is an entry in ClinVar:

NM_001009999.3(KDM1A):c.2566G>C (p.Ala856Pro)

Gene: KDM1A (lysine demethylase 1A; plus strand). Cytogenetic location: 1p36.12.
Variant type: single nucleotide variant.
Coding change: c.2566G>C on transcript NM_001009999.3 (MANE Select); coding-DNA position 2566, G replaced by C.
Protein change: p.Ala856Pro; replaces alanine 856 with proline.
Molecular consequence: missense variant. On other transcripts: 3 prime UTR variant (1).
Genome position (GRCh38, 1-based): chr1:23,083,299, G>C. VCF-style: chr1-23083299-G-C. GRCh37 (hg19) VCF-style: chr1-23409792-G-C.
Other names: c.2512G>C, p.Ala838Pro (NM_001363654.2); c.2572G>C, p.Ala858Pro (NM_001410762.1); c.*814G>C (NM_001410763.1); c.2494G>C, p.Ala832Pro (NM_015013.4); short protein forms A832P, A838P, A856P, A858P.
Identifiers: ClinVar variation 4858732 (VCV004858732.1).

ClinVar aggregate classification (germline): Uncertain significance (1 of 4 stars; one submission).

Conditions:
Inborn genetic diseases. Identifiers: MedGen C0950123, MeSH D030342.

Submission:

Ambry Genetics
Classification: Uncertain significance for Inborn genetic diseases. Last evaluated: 2026-05-14. Review status: criteria provided, single submitter. Criteria: Ambry Variant Classification Scheme 2023. Collection method: clinical testing. Allele origin: germline.
Comment: The p.A856P variant (also known as c.2566G>C), located in coding exon 21 of the KDM1A gene, results from a G to C substitution at nucleotide position 2566. The alanine at codon 856 is replaced by proline, an amino acid with highly similar properties. This amino acid position is conserved. In addition, this alteration is predicted to be tolerated by in silico analysis. Based on the available evidence, the clinical significance of this variant remains unclear.